The following is an entry in ClinVar:

NM_006922.4(SCN3A):c.135T>C (p.Asp45=)

Gene: SCN3A (sodium voltage-gated channel alpha subunit 3; minus strand). Cytogenetic location: 2q24.3.
Variant type: single nucleotide variant.
Coding change: c.135T>C on transcript NM_006922.4 (MANE Select); coding-DNA position 135, T replaced by C.
Protein change: p.Asp45=; no amino-acid change (aspartic acid 45 retained).
Molecular consequence: synonymous variant.
Genome position (GRCh38, 1-based): chr2:165,176,260, A>G on the plus strand (T>C on the coding strand, the complement: SCN3A is on the minus strand). VCF-style: chr2-165176260-A-G. GRCh37 (hg19) VCF-style: chr2-166032770-A-G.
Other names: p.Asp45=; c.135T>C, p.Asp45= (NM_001081676.2, NM_001081677.2).
Identifiers: ClinVar variation 412609 (VCV000412609.11), dbSNP rs768514926, ClinGen allele CA1939495.
Genomic context (GRCh38, chr2:165,176,260, plus strand): 5'-ATAAATAAATGGAAGGTTCTTTCCAGCTTCCAAGTCACTATTTGGCTTTGGTTTGTTCTC[A>G]TCATCATTATCTTGTTCCTTTTTGGGCTTCTTGGCTTTCTCTTCTGCAGCACGTTTTTCG-3'
Protein context (NP_008853.3, residues 35-55): KKPKKEQDND[Asp45=]ENKPKPNSDL

ClinVar aggregate classification (germline): Likely benign. Review status: criteria provided, multiple submitters, no conflicts (2 of 4 stars). 3 submissions from 3 submitters: Likely benign (3). Last evaluated 2025-10-16.

Allele frequency attached by ClinVar (database versions not stated): ExAC 0.00002; gnomAD exomes 0.00002; TOPMed 0.00002.
gnomAD v4.1: 36 of 1,611,610 alleles (0.0022%); highest among the groups gnomAD compares: Middle Eastern, 0.033%; no homozygotes.

Submissions (3):

Labcorp Genetics (formerly Invitae), Labcorp
Classification: Likely benign. Last evaluated: 2025-10-16. Review status: criteria provided, single submitter. Criteria: Invitae Variant Classification Sherloc (09022015). Collection method: clinical testing. Allele origin: germline.

Mayo Clinic Laboratories, Mayo Clinic
Classification: Likely benign. Last evaluated: 2025-08-19. Review status: criteria provided, single submitter. Criteria: ACMG Guidelines, 2015. Collection method: clinical testing. Allele origin: germline. Observed: 1 variant allele.
Comment: BS1, BP4, BP7

Blueprint Genetics
Classification: Likely benign. Last evaluated: 2023-02-28. Review status: criteria provided, single submitter. Criteria: ACMG Guidelines, 2015. Collection method: clinical testing. Allele origin: germline.